The following is an entry in ClinVar:

NM_198334.3(GANAB):c.1649A>G (p.Asn550Ser)

Gene: GANAB (glucosidase II alpha subunit; minus strand). Cytogenetic location: 11q12.3.
Variant type: single nucleotide variant.
Coding change: c.1649A>G on transcript NM_198334.3 (MANE Select); coding-DNA position 1649, A replaced by G.
Protein change: p.Asn550Ser; replaces asparagine 550 with serine.
Molecular consequence: missense variant.
Genome position (GRCh38, 1-based): chr11:62,629,902, T>C on the plus strand (A>G on the coding strand, the complement: GANAB is on the minus strand). VCF-style: chr11-62629902-T-C. GRCh37 (hg19) VCF-style: chr11-62397374-T-C.
Other names: c.1373A>G, p.Asn458Ser (NM_001278192.2); c.1307A>G, p.Asn436Ser (NM_001278193.2); c.1358A>G, p.Asn453Ser (NM_001278194.2, NM_001329222.2, NM_001329223.2); c.926A>G, p.Asn309Ser (NM_001329224.2, NM_001329225.2); c.1715A>G, p.Asn572Ser (NM_198335.4); short protein forms N458S, N309S, N550S, N572S, N436S, N453S.
Identifiers: ClinVar variation 2458038 (VCV002458038.6), dbSNP rs369991667, ClinGen allele CA6050701.

ClinVar aggregate classification (germline): Conflicting classifications of pathogenicity. Review status: criteria provided, conflicting classifications (1 of 4 stars). 3 submissions from 3 submitters: Uncertain significance (2); Likely benign (1). Last evaluated 2025-11-03.

Conditions:
Inborn genetic diseases. Identifiers: MedGen C0950123, MeSH D030342.

Allele frequency attached by ClinVar (database versions not stated): ExAC 0.00006; TOPMed 0.00004; gnomAD 0.00007; ESP Exome Variant Server 0.00008.
gnomAD v4.1: 101 of 1,613,970 alleles (0.0063%); highest among the groups gnomAD compares: South Asian, 0.011%; no homozygotes.

Submissions (3):

Labcorp Genetics (formerly Invitae), Labcorp
Classification: Uncertain significance. Last evaluated: 2025-11-03. Review status: criteria provided, single submitter. Criteria: Invitae Variant Classification Sherloc (09022015). Collection method: clinical testing. Allele origin: germline.
Comment: This sequence change replaces asparagine, which is neutral and polar, with serine, which is neutral and polar, at codon 572 of the GANAB protein (p.Asn572Ser). This variant is present in population databases (rs369991667, gnomAD 0.01%). This variant has not been reported in the literature in individuals affected with GANAB-related conditions. ClinVar contains an entry for this variant (Variation ID: 2458038). Invitae Evidence Modeling of protein sequence and biophysical properties (such as structural, functional, and spatial information, amino acid conservation, physicochemical variation, residue mobility, and thermodynamic stability) indicates that this missense variant is not expected to disrupt GANAB protein function with a negative predictive value of 80%. In summary, the available evidence is currently insufficient to determine the role of this variant in disease. Therefore, it has been classified as a Variant of Uncertain Significance.

Laboratory of Genetics, Children's Clinical University Hospital Latvia
Classification: Likely benign. Last evaluated: 2025-02-16. Review status: criteria provided, single submitter. Criteria: ACMG Guidelines, 2015. Collection method: clinical testing. Allele origin: germline. Affected: yes.

Ambry Genetics
Classification: Uncertain significance for Inborn genetic diseases. Last evaluated: 2023-02-01. Review status: criteria provided, single submitter. Criteria: Ambry Variant Classification Scheme 2023. Collection method: clinical testing. Allele origin: germline.